The following is an entry in ClinVar:

NM_004517.4(ILK):c.613G>A (p.Gly205Arg)

Genes: TAF10 (TATA-box binding protein associated factor 10; minus strand), ILK (integrin linked kinase; plus strand). Cytogenetic location: 11p15.4.
Variant type: single nucleotide variant.
Coding change: c.613G>A on transcript NM_004517.4 (MANE Select); coding-DNA position 613, G replaced by A.
Protein change: p.Gly205Arg; replaces glycine 205 with arginine.
Molecular consequence: missense variant. On other transcripts: 3 prime UTR variant (1), intron variant (1).
Genome position (GRCh38, 1-based): chr11:6,609,151, G>A. VCF-style: chr11-6609151-G-A. GRCh37 (hg19) VCF-style: chr11-6630382-G-A.
Other names: c.613G>A, p.Gly205Arg (NM_001014794.3, NM_001014795.3); c.211G>A, p.Gly71Arg (NM_001278442.2); c.*1771C>T (NM_006284.4); c.436-148G>A (NM_001278441.2); short protein forms G205R, G71R.
Identifiers: ClinVar variation 1429019 (VCV001429019.7), dbSNP rs757473698, ClinGen allele CA5858112.
Genomic context (GRCh38, chr11:6,609,151, plus strand): 5'-CACTCTGGCATTGACTTCAAACAGCTTAACTTCCTGACGAAGCTCAACGAGAATCACTCT[G>A]GAGAGGTGACCCCTGCCCTTCTTGCCCTTCCCTCACTAAACCCCCATAAATTACTTGCTT-3'
Protein context (NP_004508.1, residues 195-215): FLTKLNENHS[Gly205Arg]ELWKGRWQGN

ClinVar aggregate classification (germline): Uncertain significance. Review status: criteria provided, multiple submitters, no conflicts (2 of 4 stars). 2 submissions from 2 submitters: Uncertain significance (2). Last evaluated 2024-09-16.

Conditions:
Primary familial hypertrophic cardiomyopathy (HCM). Identifiers: Orphanet 99739, MedGen C0949658, MeSH D024741, MONDO:0024573. Inheritance: Various modes of inheritance.

Allele frequency attached by ClinVar (database versions not stated): gnomAD 0.00001; TOPMed 0.00001; ExAC 0.00002; gnomAD exomes 0.00002.
gnomAD v4.1: 31 of 1,613,640 alleles (0.0019%); highest among the groups gnomAD compares: Non-Finnish European, 0.0025%; no homozygotes.

Submissions (2):

Labcorp Genetics (formerly Invitae), Labcorp
Classification: Uncertain significance for Primary familial hypertrophic cardiomyopathy. Last evaluated: 2024-09-16. Review status: criteria provided, single submitter. Criteria: Invitae Variant Classification Sherloc (09022015). Collection method: clinical testing. Allele origin: germline.
Comment: This sequence change replaces glycine, which is neutral and non-polar, with arginine, which is basic and polar, at codon 205 of the ILK protein (p.Gly205Arg). This variant is present in population databases (rs757473698, gnomAD 0.003%). This variant has not been reported in the literature in individuals affected with ILK-related conditions. ClinVar contains an entry for this variant (Variation ID: 1429019). An algorithm developed to predict the effect of missense changes on protein structure and function (PolyPhen-2) suggests that this variant is likely to be disruptive. In summary, the available evidence is currently insufficient to determine the role of this variant in disease. Therefore, it has been classified as a Variant of Uncertain Significance.

Ambry Genetics
Classification: Uncertain significance. Last evaluated: 2021-11-09. Review status: criteria provided, single submitter. Criteria: Ambry Variant Classification Scheme 2023. Collection method: clinical testing. Allele origin: germline.
Comment: The p.G205R variant (also known as c.613G>A), located in coding exon 6 of the ILK gene, results from a G to A substitution at nucleotide position 613. The glycine at codon 205 is replaced by arginine, an amino acid with dissimilar properties. This amino acid position is conserved. In addition, this alteration is predicted to be deleterious by in silico analysis. Since supporting evidence is limited at this time, the clinical significance of this alteration remains unclear.